The following is an entry in ClinVar:

NM_000238.4(KCNH2):c.608C>T (p.Ala203Val)

Gene: KCNH2 (potassium voltage-gated channel subfamily H member 2; minus strand). Cytogenetic location: 7q36.1.
Variant type: single nucleotide variant.
Coding change: c.608C>T on transcript NM_000238.4 (MANE Select); coding-DNA position 608, C replaced by T.
Protein change: p.Ala203Val; replaces alanine 203 with valine.
Molecular consequence: missense variant. On other transcripts: non-coding transcript variant (1).
Genome position (GRCh38, 1-based): chr7:150,958,367, G>A on the plus strand (C>T on the coding strand, the complement: KCNH2 is on the minus strand). VCF-style: chr7-150958367-G-A. GRCh37 (hg19) VCF-style: chr7-150655455-G-A.
Other names: c.320C>T, p.Ala107Val (NM_001406753.1, NM_001406756.1); c.431C>T, p.Ala144Val (NM_001406755.1); c.308C>T, p.Ala103Val (NM_001406757.1); c.608C>T, p.Ala203Val (NM_172056.3); short protein forms A107V, A144V, A103V, A203V.
Identifiers: ClinVar variation 3709893 (VCV003709893.2).

ClinVar aggregate classification (germline): Uncertain significance (1 of 4 stars; one submission).

Conditions:
Long QT syndrome (LQTS). Identifiers: MedGen C0023976, MeSH D008133, MONDO:0002442. Disease mechanism: loss of function. Inheritance: Various modes of inheritance.

gnomAD v4.1: 5 of 1,481,116 alleles (0.00034%); highest among the groups gnomAD compares: Non-Finnish European, 0.00045%; no homozygotes.

Submission:

Labcorp Genetics (formerly Invitae), Labcorp
Classification: Uncertain significance for Long QT syndrome. Last evaluated: 2024-10-20. Review status: criteria provided, single submitter. Criteria: Invitae Variant Classification Sherloc (09022015). Collection method: clinical testing. Allele origin: germline.
Comment: This sequence change replaces alanine, which is neutral and non-polar, with valine, which is neutral and non-polar, at codon 203 of the KCNH2 protein (p.Ala203Val). This variant is not present in population databases (gnomAD no frequency). This variant has not been reported in the literature in individuals affected with KCNH2-related conditions. An algorithm developed to predict the effect of missense changes on protein structure and function outputs the following: PolyPhen-2: "Benign". The valine amino acid residue is found in multiple mammalian species, which suggests that this missense change does not adversely affect protein function. In summary, the available evidence is currently insufficient to determine the role of this variant in disease. Therefore, it has been classified as a Variant of Uncertain Significance.